The following is an entry in ClinVar:

ClinVar aggregate classification (germline): Uncertain significance (1 of 4 stars; one submission).

Conditions:
Inborn genetic diseases. Identifiers: MedGen C0950123, MeSH D030342.

Submission:

Ambry Genetics
Classification: Uncertain significance for Inborn genetic diseases. Last evaluated: 2025-08-11. Review status: criteria provided, single submitter. Criteria: Ambry Variant Classification Scheme 2023. Collection method: clinical testing. Allele origin: germline.
Comment: The p.L244M variant (also known as c.730T>A), located in coding exon 8 of the FANCA gene, results from a T to A substitution at nucleotide position 730. The leucine at codon 244 is replaced by methionine, an amino acid with highly similar properties. This amino acid position is conserved. In addition, this alteration is predicted to be tolerated by in silico analysis. Based on the available evidence, the clinical significance of this variant remains unclear.

NM_000135.4(FANCA):c.730T>A (p.Leu244Met)

Gene: FANCA (FA complementation group A; minus strand). Cytogenetic location: 16q24.3.
Variant type: single nucleotide variant.
Coding change: c.730T>A on transcript NM_000135.4 (MANE Select); coding-DNA position 730, T replaced by A.
Protein change: p.Leu244Met; replaces leucine 244 with methionine.
Molecular consequence: missense variant.
Genome position (GRCh38, 1-based): chr16:89,803,321, A>T on the plus strand (T>A on the coding strand, the complement: FANCA is on the minus strand). VCF-style: chr16-89803321-A-T. GRCh37 (hg19) VCF-style: chr16-89869729-A-T.
Other names: c.730T>A, p.Leu244Met (NM_001018112.3, NM_001286167.3); c.634T>A, p.Leu212Met (NM_001351830.2); short protein forms L244M, L212M.
Identifiers: ClinVar variation 4254284 (VCV004254284.1).
Genomic context (GRCh38, chr16:89,803,321, plus strand): 5'-GCGGCATTTTTTCAGGCTCCACAGTTCTTCTCAGATCTGAGTTTTTCTGAAATCCCCTCA[A>T]AACAAACATTTGAACAAAATCTGAAAAACCATAAAACCAAAGTTATTTATGGACATCATG-3'
Protein context (NP_000126.2, residues 234-254): MLSDFVQMFV[Leu244Met]RGFQKNSDLR